The following is an entry in ClinVar:

ClinVar aggregate classification (germline): Benign. Review status: criteria provided, multiple submitters, no conflicts (2 of 4 stars). 4 submissions from 4 submitters: Benign (3). 1 of the submissions does not count toward it. Last evaluated 2021-07-14.

Conditions:
MAPK8IP3-related disorder. Also called: MAPK8IP3-related condition.
Neurodevelopmental disorder with or without variable brain abnormalities; NEDBA. Also called: NEURODEVELOPMENTAL DISORDER WITH OR WITHOUT VARIABLE BRAIN ABNORMALITIES. Identifiers: MedGen C5193102, MONDO:0032755, OMIM 618443.

Allele frequency attached by ClinVar (database versions not stated): 1000 Genomes Project 0.76218; 1000 Genomes Project 30x 0.76702; ExAC 0.77257; gnomAD exomes 0.78280 and 0.78417; gnomAD 0.79898 and 0.80393; TOPMed 0.80776; ESP Exome Variant Server 0.81968.
gnomAD v4.1: 1,222,031 of 1,557,170 alleles (78%); highest among the groups gnomAD compares: Admixed American, 87%; 481,043 homozygotes.

Submissions (4):

GeneDx
Classification: Benign. Last evaluated: 2021-07-14. Review status: criteria provided, single submitter. Criteria: GeneDx Variant Classification Process June 2021. Collection method: clinical testing. Allele origin: germline. Affected: yes.

Genome-Nilou Lab
Classification: Benign for Neurodevelopmental disorder with or without variable brain abnormalities; NEDBA. Last evaluated: 2021-07-14. Review status: criteria provided, single submitter. Criteria: ACMG Guidelines, 2015. Collection method: clinical testing. Allele origin: germline. Affected: no.

Breakthrough Genomics
Classification: Benign. Review status: criteria provided, single submitter. Criteria: ACMG Guidelines, 2015. Collection method: not provided. Allele origin: germline. Inheritance: Autosomal dominant inheritance. Affected: yes.

PreventionGenetics, part of Exact Sciences
Classification: Benign for MAPK8IP3-related condition. Last evaluated: 2019-10-29. Review status: no assertion criteria provided. Collection method: clinical testing. Allele origin: germline. Not counted in ClinVar's aggregate classification.
Comment: This variant is classified as benign based on ACMG/AMP sequence variant interpretation guidelines (Richards et al. 2015 PMID: 25741868, with internal and published modifications).

NM_001318852.2(MAPK8IP3):c.3768G>C (p.Gly1256=)

Gene: MAPK8IP3 (mitogen-activated protein kinase 8 interacting protein 3; plus strand). Cytogenetic location: 16p13.3.
Variant type: single nucleotide variant.
Coding change: c.3768G>C on transcript NM_001318852.2 (MANE Select); coding-DNA position 3768, G replaced by C.
Protein change: p.Gly1256=; no amino-acid change (glycine 1256 retained).
Molecular consequence: synonymous variant.
Genome position (GRCh38, 1-based): chr16:1,768,502, G>C. VCF-style: chr16-1768502-G-C. GRCh37 (hg19) VCF-style: chr16-1818503-G-C.
Other names: c.3747G>C, p.Gly1249= (NM_001040439.2); c.3765G>C, p.Gly1255= (NM_015133.5).
Identifiers: ClinVar variation 1185537 (VCV001185537.8), dbSNP rs2076431, ClinGen allele CA7817858.